The following is an entry in ClinVar:

ClinVar aggregate classification (germline): Conflicting classifications of pathogenicity. Review status: criteria provided, conflicting classifications (1 of 4 stars). 3 submissions from 3 submitters: Uncertain significance (2); Likely benign (1). Last evaluated 2026-01-24.

Conditions:
Inborn genetic diseases. Identifiers: MedGen C0950123, MeSH D030342.
Landau-Kleffner syndrome (FESD). Also called: EPILEPSY, FOCAL, WITH SPEECH DISORDER AND WITH OR WITHOUT MENTAL RETARDATION; APHASIA, ACQUIRED, WITH EPILEPSY. Identifiers: Orphanet 1945, Orphanet 725, Orphanet 98818, MedGen C0282512, MONDO:0009509, OMIM 245570.

Allele frequency attached by ClinVar (database versions not stated): gnomAD exomes below 0.00001; ExAC 0.00001.
gnomAD v4.1: 5 of 1,614,088 alleles (0.00031%); highest among the groups gnomAD compares: East Asian, 0.0022%; no homozygotes.

Submissions (3):

Labcorp Genetics (formerly Invitae), Labcorp
Classification: Likely benign for Landau-Kleffner syndrome. Last evaluated: 2026-01-24. Review status: criteria provided, single submitter. Criteria: Invitae Variant Classification Sherloc (09022015). Collection method: clinical testing. Allele origin: germline.

Women's Health and Genetics/Laboratory Corporation of America, LabCorp
Classification: Uncertain significance. Last evaluated: 2025-03-21. Review status: criteria provided, single submitter. Criteria: LabCorp Variant Classification Summary - May 2015. Collection method: clinical testing. Allele origin: germline.
Comment: Variant summary: GRIN2A c.3206C>T (p.Thr1069Met) results in a non-conservative amino acid change in the encoded protein sequence. Three of five in-silico tools predict a damaging effect of the variant on protein function. The variant allele was found at a frequency of 4e-06 in 251382 control chromosomes. The available data on variant occurrences in the general population are insufficient to allow any conclusion about variant significance. To our knowledge, no occurrence of c.3206C>T in individuals affected with Epilepsy, Focal, With Speech Disorder And With Or Without Mental Retardation and no experimental evidence demonstrating its impact on protein function have been reported. ClinVar contains an entry for this variant (Variation ID: 650080). Based on the evidence outlined above, the variant was classified as uncertain significance.

Ambry Genetics
Classification: Uncertain significance for Inborn genetic diseases. Last evaluated: 2021-09-15. Review status: criteria provided, single submitter. Criteria: Ambry Variant Classification Scheme 2023. Collection method: clinical testing. Allele origin: germline.

NM_001134407.3(GRIN2A):c.3206C>T (p.Thr1069Met)

Gene: GRIN2A (glutamate ionotropic receptor NMDA type subunit 2A; minus strand). Cytogenetic location: 16p13.2.
Variant type: single nucleotide variant.
Coding change: c.3206C>T on transcript NM_001134407.3 (MANE Select); coding-DNA position 3206, C replaced by T.
Protein change: p.Thr1069Met; replaces threonine 1069 with methionine.
Molecular consequence: missense variant.
Genome position (GRCh38, 1-based): chr16:9,764,338, G>A on the plus strand (C>T on the coding strand, the complement: GRIN2A is on the minus strand). VCF-style: chr16-9764338-G-A. GRCh37 (hg19) VCF-style: chr16-9858195-G-A.
Other names: c.3206C>T, p.Thr1069Met (NM_000833.5, NM_001134408.2); c.3206C>T (NM_000833.3); short protein forms T1069M.
Identifiers: ClinVar variation 650080 (VCV000650080.11), dbSNP rs777249842, ClinGen allele CA7896353.